The following is an entry in ClinVar:

NM_015015.3(KDM4B):c.1990G>A (p.Ala664Thr)

Gene: KDM4B (lysine demethylase 4B; plus strand). Cytogenetic location: 19p13.3.
Variant type: single nucleotide variant.
Coding change: c.1990G>A on transcript NM_015015.3 (MANE Select); coding-DNA position 1990, G replaced by A.
Protein change: p.Ala664Thr; replaces alanine 664 with threonine.
Molecular consequence: missense variant.
Genome position (GRCh38, 1-based): chr19:5,133,966, G>A. VCF-style: chr19-5133966-G-A. GRCh37 (hg19) VCF-style: chr19-5133977-G-A.
Other names: c.2092G>A, p.Ala698Thr (NM_001411148.1); short protein forms A664T, A698T.
Identifiers: ClinVar variation 4886091 (VCV004886091.2).

ClinVar aggregate classification (germline): Uncertain significance (1 of 4 stars; one submission).

gnomAD v4.1: 1 of 1,612,890 alleles (0.000062%); no homozygotes.

Submission:

Dasa
Classification: Uncertain significance. Last evaluated: 2025-02-25. Review status: criteria provided, single submitter. Criteria: DASA Assertion Criteria. Collection method: clinical testing. Allele origin: germline.
Comment: NM_015015.3(KDM4B):c.1990G>A (p.Ala664Thr) is a missense variant that results in the substitution of alanine with threonine. This variant is rare in population databases. Computational prediction algorithms are consistent with a benign effect. The currently available literature and clinical evidence are not sufficient to establish a definitive association between this variant and the reported condition. Therefore, this variant is classified as a variant of uncertain significance.